The following is an entry in ClinVar:

ClinVar aggregate classification (germline): Uncertain significance (1 of 4 stars; one submission).

Submission:

Labcorp Genetics (formerly Invitae), Labcorp
Classification: Uncertain significance. Last evaluated: 2024-02-29. Review status: criteria provided, single submitter. Criteria: Invitae Variant Classification Sherloc (09022015). Collection method: clinical testing. Allele origin: germline.
Comment: This sequence change replaces isoleucine, which is neutral and non-polar, with methionine, which is neutral and non-polar, at codon 698 of the CTR9 protein (p.Ile698Met). This variant is not present in population databases (gnomAD no frequency). This variant has not been reported in the literature in individuals affected with CTR9-related conditions. An algorithm developed to predict the effect of missense changes on protein structure and function (PolyPhen-2) suggests that this variant is likely to be disruptive. In summary, the available evidence is currently insufficient to determine the role of this variant in disease. Therefore, it has been classified as a Variant of Uncertain Significance.

NM_014633.5(CTR9):c.2094C>G (p.Ile698Met)

Gene: CTR9 (CTR9 component of Paf1/RNA polymerase II complex; plus strand). Cytogenetic location: 11p15.4.
Variant type: single nucleotide variant.
Coding change: c.2094C>G on transcript NM_014633.5 (MANE Select); coding-DNA position 2094, C replaced by G.
Protein change: p.Ile698Met; replaces isoleucine 698 with methionine.
Molecular consequence: missense variant.
Genome position (GRCh38, 1-based): chr11:10,768,476, C>G. VCF-style: chr11-10768476-C-G. GRCh37 (hg19) VCF-style: chr11-10790023-C-G.
Other names: c.2094C>G, p.Ile698Met (NM_001346279.2); short protein forms I698M.
Identifiers: ClinVar variation 3607267 (VCV003607267.2).